The following is an entry in ClinVar:

NM_000038.6(APC):c.1250G>A (p.Cys417Tyr)

Gene: APC (APC regulator of Wnt signaling pathway; plus strand). Cytogenetic location: 5q22.2.
Variant type: single nucleotide variant.
Coding change: c.1250G>A on transcript NM_000038.6 (MANE Select); coding-DNA position 1250, G replaced by A.
Protein change: p.Cys417Tyr; replaces cysteine 417 with tyrosine.
Molecular consequence: missense variant.
Genome position (GRCh38, 1-based): chr5:112,819,282, G>A. VCF-style: chr5-112819282-G-A. GRCh37 (hg19) VCF-style: chr5-112154979-G-A.
Other names: c.1250G>A, p.Cys417Tyr (NM_001127510.3, NM_001354895.2, NM_001354896.2); c.1196G>A, p.Cys399Tyr (NM_001127511.3); c.1280G>A, p.Cys427Tyr (NM_001354897.2); c.1175G>A, p.Cys392Tyr (NM_001354898.2); c.1166G>A, p.Cys389Tyr (NM_001354899.2); c.1073G>A, p.Cys358Tyr (NM_001354900.2, NM_001354901.2); c.977G>A, p.Cys326Tyr (NM_001354902.2); c.947G>A, p.Cys316Tyr (NM_001354903.2); and 3 more; short protein forms C134Y, C389Y, C392Y, C417Y, C257Y, C291Y, C316Y, C326Y.
Identifiers: ClinVar variation 1345500 (VCV001345500.6), dbSNP rs780178612, ClinGen allele CA16024036.

ClinVar aggregate classification (germline): Uncertain significance (1 of 4 stars; one submission).

Conditions:
Familial adenomatous polyposis 1 (FAP1). Also called: FAMILIAL ADENOMATOUS POLYPOSIS 1, ATTENUATED; POLYPOSIS, ADENOMATOUS INTESTINAL. Identifiers: MedGen C2713442, MONDO:0021056, OMIM 175100. Disease mechanism: loss of function.

gnomAD v4.1: 1 of 1,614,070 alleles (0.000062%); highest among the groups gnomAD compares: Non-Finnish European, 0.000085%; no homozygotes.

Submission:

Labcorp Genetics (formerly Invitae), Labcorp
Classification: Uncertain significance for Familial adenomatous polyposis 1. Last evaluated: 2024-07-15. Review status: criteria provided, single submitter. Criteria: Invitae Variant Classification Sherloc (09022015). Collection method: clinical testing. Allele origin: germline.
Comment: This sequence change replaces cysteine, which is neutral and slightly polar, with tyrosine, which is neutral and polar, at codon 417 of the APC protein (p.Cys417Tyr). This variant is not present in population databases (gnomAD no frequency). This variant has not been reported in the literature in individuals affected with APC-related conditions. ClinVar contains an entry for this variant (Variation ID: 1345500). Advanced modeling of protein sequence and biophysical properties (such as structural, functional, and spatial information, amino acid conservation, physicochemical variation, residue mobility, and thermodynamic stability) has been performed at Invitae for this missense variant, however the output from this modeling did not meet the statistical confidence thresholds required to predict the impact of this variant on APC protein function. In summary, the available evidence is currently insufficient to determine the role of this variant in disease. Therefore, it has been classified as a Variant of Uncertain Significance.